The following is an entry in ClinVar:

ClinVar aggregate classification (germline): Pathogenic. Review status: criteria provided, multiple submitters, no conflicts (2 of 4 stars). 2 submissions from 2 submitters: Pathogenic (2). Last evaluated 2024-12-24.

Conditions:
Ehlers-Danlos syndrome, classic type, 1 (EDSCL1). Also called: EHLERS-DANLOS SYNDROME, GRAVIS TYPE; EHLERS-DANLOS SYNDROME, SEVERE CLASSIC TYPE; Ehlers-Danlos syndrome, type 1; Ehlers-Danlos Syndrome, Classic Type, COL5A1-Related; EDS I. Identifiers: MedGen C0268335, MONDO:0019567, OMIM 130000.
Osteogenesis imperfecta type I (OI1). Also called: OI, TYPE I; OSTEOGENESIS IMPERFECTA TARDA; OSTEOGENESIS IMPERFECTA WITH BLUE SCLERAE; Osteogenesis imperfecta type 1; Classic Non-deforming Osteogenesis Imperfecta with Blue Sclerae; Lobstein's Disease. Identifiers: Orphanet 216796, Orphanet 666, MedGen C0023931, MONDO:0008146, OMIM 166200. Disease mechanism: loss of function.

Submissions (2):

Labcorp Genetics (formerly Invitae), Labcorp
Classification: Pathogenic for Osteogenesis imperfecta type I; Ehlers-Danlos syndrome, classic type, 1. Last evaluated: 2024-12-24. Review status: criteria provided, single submitter. Criteria: Invitae Variant Classification Sherloc (09022015). Collection method: clinical testing. Allele origin: germline.
Comment: This sequence change replaces glycine, which is neutral and non-polar, with valine, which is neutral and non-polar, at codon 112 of the COL1A2 protein (p.Gly112Val). This variant is not present in population databases (gnomAD no frequency). This missense change has been observed in individual(s) with osteogenesis imperfecta (PMID: 30886339). ClinVar contains an entry for this variant (Variation ID: 2662592). Invitae Evidence Modeling of protein sequence and biophysical properties (such as structural, functional, and spatial information, amino acid conservation, physicochemical variation, residue mobility, and thermodynamic stability) indicates that this missense variant is expected to disrupt COL1A2 protein function with a positive predictive value of 95%. This variant disrupts the triple helix domain of COL1A2. Glycine residues within the Gly-Xaa-Yaa repeats of the triple helix domain are required for the structure and stability of fibrillar collagens (PMID: 7695699, 8218237, 19344236). In COL1A2, variants affecting these glycine residues are significantly enriched in individuals with disease (PMID: 9016532, 17078022) compared to the general population (ExAC). For these reasons, this variant has been classified as Pathogenic.

GeneDx
Classification: Pathogenic. Last evaluated: 2023-05-16. Review status: criteria provided, single submitter. Criteria: GeneDx Variant Classification Process June 2021. Collection method: clinical testing. Allele origin: germline. Affected: yes.
Comment: Reported in association with osteogenesis imperfecta (OI) and in a patient with features of both OI and Ehlers-Danlos syndrome (Maioli et al., 2019; Morlino et al., 2020); In silico analysis supports that this missense variant has a deleterious effect on protein structure/function; Not observed at significant frequency in large population cohorts (gnomAD); Occurs in the triple helical domain and replaces a glycine in a canonical Gly-X-Y repeat; missense substitution of a canonical glycine residue is expected to disrupt normal protein folding and function, and this is an established mechanism of disease (Jovanovic et al., 2021); This variant is associated with the following publications: (PMID: 34007986, 30886339, 31794058)

Literature cited by the submitters: PubMed 30886339 (cited by Labcorp Genetics (formerly Invitae), Labcorp); PubMed 7695699 (cited by Labcorp Genetics (formerly Invitae), Labcorp); PubMed 8218237 (cited by Labcorp Genetics (formerly Invitae), Labcorp); PubMed 19344236 (cited by Labcorp Genetics (formerly Invitae), Labcorp); PubMed 9016532 (cited by Labcorp Genetics (formerly Invitae), Labcorp); PubMed 17078022 (cited by Labcorp Genetics (formerly Invitae), Labcorp).

NM_000089.4(COL1A2):c.335G>T (p.Gly112Val)

Gene: COL1A2 (collagen type I alpha 2 chain; plus strand). Cytogenetic location: 7q21.3.
Variant type: single nucleotide variant.
Coding change: c.335G>T on transcript NM_000089.4 (MANE Select); coding-DNA position 335, G replaced by T.
Protein change: p.Gly112Val; replaces glycine 112 with valine.
Molecular consequence: missense variant.
Genome position (GRCh38, 1-based): chr7:94,404,703, G>T. VCF-style: chr7-94404703-G-T. GRCh37 (hg19) VCF-style: chr7-94034015-G-T.
Other names: short protein forms G112V.
Identifiers: ClinVar variation 2662592 (VCV002662592.3), dbSNP rs1791759246, ClinGen allele CA368219543.
Genomic context (GRCh38, chr7:94,404,703, plus strand): 5'-GAGAATTAAGAAATAAAGGCTTGGAGTATGACATTCTTTTTTTCTTTTAGGGCCCTCAAG[G>T]TTTCCAAGGACCTGCTGGTGAGCCTGGTGAACCTGGTCAAACTGTGAGTACATTTTTCCA-3'
Protein context (NP_000080.2, residues 102-122): PGAAGAPGPQ[Gly112Val]FQGPAGEPGE